The following is an entry in ClinVar:

NM_000138.5(FBN1):c.1961A>G (p.Asp654Gly)

Gene: FBN1 (fibrillin 1; minus strand). Cytogenetic location: 15q21.1.
Variant type: single nucleotide variant.
Coding change: c.1961A>G on transcript NM_000138.5 (MANE Select); coding-DNA position 1961, A replaced by G.
Protein change: p.Asp654Gly; replaces aspartic acid 654 with glycine.
Molecular consequence: missense variant.
Genome position (GRCh38, 1-based): chr15:48,503,939, T>C on the plus strand (A>G on the coding strand, the complement: FBN1 is on the minus strand). VCF-style: chr15-48503939-T-C. GRCh37 (hg19) VCF-style: chr15-48796136-T-C.
Other names: c.1961A>G, p.Asp654Gly (NM_001406716.1); short protein forms D654G.
Identifiers: ClinVar variation 4813323 (VCV004813323.1).

ClinVar aggregate classification (germline): Likely pathogenic (1 of 4 stars; one submission).

Conditions:
Marfan syndrome (MFS). Also called: FBN1-Related Marfan Syndrome; MARFAN SYNDROME, TYPE I; Marfan syndrome type 1; Marfan's syndrome; Marfan syndrome, classic. Identifiers: Orphanet 284963, Orphanet 558, MedGen C0024796, MONDO:0007947, OMIM 154700.

Submission:

Clinical Genetic Center, Kansai Medical University
Classification: Likely pathogenic for Marfan syndrome. Last evaluated: 2026-02-26. Review status: criteria provided, single submitter. Criteria: ACMG Guidelines, 2015. Collection method: clinical testing. Allele origin: germline. Inheritance: Autosomal dominant inheritance. Affected: yes. Observed: 2 variant alleles.
Comment: PM5 (Mod): p.Asp654Asn is Likely Pathogenic; PM2_sup, PP3, PP2